The following is an entry in ClinVar:

ClinVar aggregate classification (germline): Uncertain significance (1 of 4 stars; one submission).

Conditions:
Glycine encephalopathy. Also called: Nonketotic hyperglycinemia; Non-ketotic hyperglycinemia. Identifiers: Orphanet 407, MedGen C0751748, MONDO:0011612, HP:0008288.

Submission:

Labcorp Genetics (formerly Invitae), Labcorp
Classification: Uncertain significance for Glycine encephalopathy. Last evaluated: 2024-02-23. Review status: criteria provided, single submitter. Criteria: Invitae Variant Classification Sherloc (09022015). Collection method: clinical testing. Allele origin: germline.
Comment: This sequence change replaces lysine, which is basic and polar, with glutamic acid, which is acidic and polar, at codon 423 of the GLDC protein (p.Lys423Glu). This variant is not present in population databases (gnomAD no frequency). This variant has not been reported in the literature in individuals affected with GLDC-related conditions. ClinVar contains an entry for this variant (Variation ID: 2108718). Advanced modeling of protein sequence and biophysical properties (such as structural, functional, and spatial information, amino acid conservation, physicochemical variation, residue mobility, and thermodynamic stability) performed at Invitae indicates that this missense variant is not expected to disrupt GLDC protein function with a negative predictive value of 80%. In summary, the available evidence is currently insufficient to determine the role of this variant in disease. Therefore, it has been classified as a Variant of Uncertain Significance.

NM_000170.3(GLDC):c.1267A>G (p.Lys423Glu)

Gene: GLDC (glycine decarboxylase; minus strand). Cytogenetic location: 9p24.1.
Variant type: single nucleotide variant.
Coding change: c.1267A>G on transcript NM_000170.3 (MANE Select); coding-DNA position 1267, A replaced by G.
Protein change: p.Lys423Glu; replaces lysine 423 with glutamic acid.
Molecular consequence: missense variant.
Genome position (GRCh38, 1-based): chr9:6,592,985, T>C on the plus strand (A>G on the coding strand, the complement: GLDC is on the minus strand). VCF-style: chr9-6592985-T-C. GRCh37 (hg19) VCF-style: chr9-6592985-T-C.
Other names: short protein forms K423E.
Identifiers: ClinVar variation 2108718 (VCV002108718.4), dbSNP rs2489085377, ClinGen allele CA372894175.